The following is an entry in ClinVar:

NM_005751.5(AKAP9):c.5168C>T (p.Ala1723Val)

Gene: AKAP9 (A-kinase anchoring protein 9; plus strand). Cytogenetic location: 7q21.2.
Variant type: single nucleotide variant.
Coding change: c.5168C>T on transcript NM_005751.5 (MANE Select); coding-DNA position 5168, C replaced by T.
Protein change: p.Ala1723Val; replaces alanine 1723 with valine.
Molecular consequence: missense variant.
Genome position (GRCh38, 1-based): chr7:92,045,013, C>T. VCF-style: chr7-92045013-C-T. GRCh37 (hg19) VCF-style: chr7-91674327-C-T.
Other names: c.5168C>T, p.Ala1723Val (NM_147185.3); short protein forms A1723V.
Identifiers: ClinVar variation 2892241 (VCV002892241.3), dbSNP rs2535143194, ClinGen allele CA368130475.
Genomic context (GRCh38, chr7:92,045,013, plus strand): 5'-AGTGTTTGCTTCAAAAATATTAAACATTTTAATCAGTGCTTCTTTATCTATACAGGTATG[C>T]ACTCCAGAAAGCTAATAATAGACTTTTGAAGATCCTCTTAGAAGTTGTAAAGACAACAGC-3'
Protein context (NP_005742.4, residues 1713-1733): PPEILSNERY[Ala1723Val]LQKANNRLLK

ClinVar aggregate classification (germline): Uncertain significance (1 of 4 stars; one submission).

Conditions:
Long QT syndrome (LQTS). Identifiers: MedGen C0023976, MeSH D008133, MONDO:0002442. Disease mechanism: loss of function. Inheritance: Various modes of inheritance.

Submission:

Labcorp Genetics (formerly Invitae), Labcorp
Classification: Uncertain significance for Long QT syndrome. Last evaluated: 2022-12-07. Review status: criteria provided, single submitter. Criteria: Invitae Variant Classification Sherloc (09022015). Collection method: clinical testing. Allele origin: germline.
Comment: This variant has not been reported in the literature in individuals affected with AKAP9-related conditions. In summary, the available evidence is currently insufficient to determine the role of this variant in disease. Therefore, it has been classified as a Variant of Uncertain Significance. Algorithms developed to predict the effect of missense changes on protein structure and function (SIFT, PolyPhen-2, Align-GVGD) all suggest that this variant is likely to be tolerated. This variant is not present in population databases (gnomAD no frequency). This sequence change replaces alanine, which is neutral and non-polar, with valine, which is neutral and non-polar, at codon 1723 of the AKAP9 protein (p.Ala1723Val).